The following is an entry in ClinVar:

NM_005359.6(SMAD4):c.731C>T (p.Pro244Leu)

Gene: SMAD4 (SMAD family member 4; plus strand). Cytogenetic location: 18q21.2.
Variant type: single nucleotide variant.
Coding change: c.731C>T on transcript NM_005359.6 (MANE Select); coding-DNA position 731, C replaced by T.
Protein change: p.Pro244Leu; replaces proline 244 with leucine.
Molecular consequence: missense variant.
Genome position (GRCh38, 1-based): chr18:51,058,188, C>T. VCF-style: chr18-51058188-C-T. GRCh37 (hg19) VCF-style: chr18-48584558-C-T.
Other names: short protein forms P244L.
Identifiers: ClinVar variation 650834 (VCV000650834.10), dbSNP rs764421512, ClinGen allele CA402462875.
Genomic context (GRCh38, chr18:51,058,188, plus strand): 5'-AGCCTGCCAGTATACTGGGGGGCAGCCATAGTGAAGGACTGTTGCAGATAGCATCAGGGC[C>T]TCAGCCAGGACAGCAGCAGAATGGATTTACTGGTCAGCCAGCTACTTACCATCATAGTAT-3'
Protein context (NP_005350.1, residues 234-254): SEGLLQIASG[Pro244Leu]QPGQQQNGFT

ClinVar aggregate classification (germline): Uncertain significance (1 of 4 stars; one submission).

Conditions:
Juvenile polyposis syndrome (JPS). Identifiers: Orphanet 2929, MedGen C0345893, MONDO:0017380, OMIM 174900.

Submission:

Labcorp Genetics (formerly Invitae), Labcorp
Classification: Uncertain significance for Juvenile polyposis syndrome. Last evaluated: 2018-09-24. Review status: criteria provided, single submitter. Criteria: Invitae Variant Classification Sherloc (09022015). Collection method: clinical testing. Allele origin: germline.
Comment: This variant has not been reported in the literature in individuals with SMAD4-related disease. This sequence change replaces proline with leucine at codon 244 of the SMAD4 protein (p.Pro244Leu). The proline residue is moderately conserved and there is a moderate physicochemical difference between proline and leucine. This variant is not present in population databases (ExAC no frequency). Algorithms developed to predict the effect of missense changes on protein structure and function (SIFT, PolyPhen-2, Align-GVGD) all suggest that this variant is likely to be tolerated, but these predictions have not been confirmed by published functional studies and their clinical significance is uncertain. In summary, the available evidence is currently insufficient to determine the role of this variant in disease. Therefore, it has been classified as a Variant of Uncertain Significance.